The following is an entry in ClinVar:

ClinVar aggregate classification (germline): Likely pathogenic (1 of 4 stars; one submission).

Allele frequency attached by ClinVar (database versions not stated): TOPMed below 0.00001; gnomAD 0.00001; gnomAD exomes 0.00002; ExAC 0.00002; ESP Exome Variant Server 0.00008.
gnomAD v4.1: 29 of 1,604,564 alleles (0.0018%); highest among the groups gnomAD compares: Admixed American, 0.0085%; no homozygotes.

Submission:

GeneDx
Classification: Likely pathogenic. Last evaluated: 2017-07-31. Review status: criteria provided, single submitter. Criteria: GeneDx Variant Classification (06012015). Collection method: clinical testing. Allele origin: germline. Affected: yes.
Comment: The c.2257+1G>A variant in the WDR60 gene has not been reported previously as a pathogenic variant nor as a benign variant, to our knowledge. This splice site variant destroys the canonical splice donor site in intron 17. It is predicted to cause abnormal gene splicing, either leading to an abnormal message that is subject to nonsense-mediated mRNA decay, or to an abnormal protein product if the message is used for protein translation. The c.2257+1G>A variant is not observed at a significant frequency in large population cohorts (Lek et al., 2016; 1000 Genomes Consortium et al., 2015; Exome Variant Server). We interpret c.2257+1G>A as a likely pathogenic variant.

NM_018051.5(DYNC2I1):c.2257+1G>A

Gene: DYNC2I1 (dynein 2 intermediate chain 1; plus strand). Cytogenetic location: 7q36.3.
Variant type: single nucleotide variant.
Coding change: c.2257+1G>A on transcript NM_018051.5 (MANE Select); the canonical splice donor site of the intron after coding-DNA position 2257, G replaced by A.
Molecular consequence: splice donor variant.
Genome position (GRCh38, 1-based): chr7:158,923,734, G>A. VCF-style: chr7-158923734-G-A. GRCh37 (hg19) VCF-style: chr7-158716425-G-A.
Other names: c.2119+1G>A (NM_001350914.2); c.1009+1G>A (NM_001350918.2, NM_001350917.2); c.796+1G>A (NM_001350916.2); c.1684+1G>A (NM_001350915.2).
Identifiers: ClinVar variation 450801 (VCV000450801.1), dbSNP rs367599281, ClinGen allele CA4594916.